The following is an entry in ClinVar:

ClinVar aggregate classification (germline): Likely pathogenic (1 of 4 stars; one submission).

Conditions:
Aortic aneurysm, familial thoracic 7 (AAT7). Also called: AORTIC DISSECTION, FAMILIAL, WITH OR WITHOUT AORTIC ANEURYSM. Identifiers: MedGen C3151077, MONDO:0013418, OMIM 613780.

Submission:

Labcorp Genetics (formerly Invitae), Labcorp
Classification: Likely pathogenic for Aortic aneurysm, familial thoracic 7. Last evaluated: 2020-10-26. Review status: criteria provided, single submitter. Criteria: Invitae Variant Classification Sherloc (09022015). Collection method: clinical testing. Allele origin: germline.
Comment: In summary, donor and acceptor splice site variants are typically loss-of-function (PMID: 16199547), and loss-of-function variants in the aortic-specific isoform of MYLK are known to be likely pathogenic for thoracic aortic dissections (PMID: 21055718). As a result, this variant has been classified as Likely Pathogenic. This variant is not present in population databases (ExAC no frequency) and has not been reported in the literature in individuals with a MYLK-related disease. This sequence change affects an acceptor splice site in intron 29 of the MYLK gene. It is expected to disrupt RNA splicing and likely results in an absent or disrupted protein product. It occurs in the aortic-specific isoform of MYLK.

Literature cited by the submitters: PubMed 16199547; PubMed 21055718.

NM_053025.4(MYLK):c.4962-1G>T

Genes: MYLK-AS1 (MYLK antisense RNA 1; plus strand), MYLK (myosin light chain kinase; minus strand), LOC126806791 (MED14-independent group 3 enhancer GRCh37_chr3:123347871-123349070; plus strand). Cytogenetic location: 3q21.1.
Variant type: single nucleotide variant.
Coding change: c.4962-1G>T on transcript NM_053025.4 (MANE Select); the canonical splice acceptor site of the intron before coding-DNA position 4962, G replaced by T.
Molecular consequence: splice acceptor variant. On other transcripts: non-coding transcript variant (2), intron variant (2).
Genome position (GRCh38, 1-based): chr3:123,629,627, C>A on the plus strand (G>T on the coding strand, the complement: MYLK is on the minus strand). VCF-style: chr3-123629627-C-A. GRCh37 (hg19) VCF-style: chr3-123348474-C-A.
Other names: c.4434-1G>T (NM_001321309.2); c.4755-2686G>T (NM_053028.4); c.4755-1G>T (NM_053026.4); c.4962-2686G>T (NM_053027.4).
Identifiers: ClinVar variation 1067883 (VCV001067883.9), dbSNP rs1237794394, ClinGen allele CA354233440.